The following is an entry in ClinVar:

NM_016507.4(CDK12):c.1736C>T (p.Ser579Phe)

Gene: CDK12 (cyclin dependent kinase 12; plus strand). Cytogenetic location: 17q12.
Variant type: single nucleotide variant.
Coding change: c.1736C>T on transcript NM_016507.4 (MANE Select); coding-DNA position 1736, C replaced by T.
Protein change: p.Ser579Phe; replaces serine 579 with phenylalanine.
Molecular consequence: missense variant.
Genome position (GRCh38, 1-based): chr17:39,471,568, C>T. VCF-style: chr17-39471568-C-T. GRCh37 (hg19) VCF-style: chr17-37627821-C-T.
Other names: c.1736C>T, p.Ser579Phe (NM_015083.4); short protein forms S579F.
Identifiers: ClinVar variation 4651417 (VCV004651417.1).

ClinVar aggregate classification (germline): Uncertain significance (1 of 4 stars; one submission).

Submission:

Ambry Genetics
Classification: Uncertain significance. Last evaluated: 2025-10-30. Review status: criteria provided, single submitter. Criteria: Ambry Variant Classification Scheme 2023. Collection method: clinical testing. Allele origin: germline.
Comment: The p.S579F variant (also known as c.1736C>T), located in coding exon 2 of the CDK12 gene, results from a C to T substitution at nucleotide position 1736. The serine at codon 579 is replaced by phenylalanine, an amino acid with highly dissimilar properties. This amino acid position is conserved. In addition, this alteration is predicted to be tolerated by in silico analysis. Based on the available evidence, the clinical significance of this variant remains unclear.